The following is an entry in ClinVar:

NM_001378454.1(ALMS1):c.11246C>G (p.Thr3749Ser)

Gene: ALMS1 (ALMS1 centrosome and basal body associated protein; plus strand). Cytogenetic location: 2p13.1.
Variant type: single nucleotide variant.
Coding change: c.11246C>G on transcript NM_001378454.1 (MANE Select); coding-DNA position 11246, C replaced by G.
Protein change: p.Thr3749Ser; replaces threonine 3749 with serine.
Molecular consequence: missense variant.
Genome position (GRCh38, 1-based): chr2:73,573,123, C>G. VCF-style: chr2-73573123-C-G. GRCh37 (hg19) VCF-style: chr2-73800250-C-G.
Other names: c.11249C>G, p.Thr3750Ser (NM_015120.4); short protein forms T3750S, T3749S.
Identifiers: ClinVar variation 2142631 (VCV002142631.1), dbSNP rs746447460, ClinGen allele CA347288601.

ClinVar aggregate classification (germline): Uncertain significance (1 of 4 stars; one submission).

Conditions:
Alstrom syndrome (ALMS). Identifiers: Orphanet 64, MedGen C0268425, MONDO:0008763, OMIM 203800.

gnomAD v4.1: 3 of 1,614,030 alleles (0.00019%); highest among the groups gnomAD compares: Admixed American, 0.0033%; no homozygotes.

Submission:

Labcorp Genetics (formerly Invitae), Labcorp
Classification: Uncertain significance for Alstrom syndrome. Last evaluated: 2022-03-18. Review status: criteria provided, single submitter. Criteria: Invitae Variant Classification Sherloc (09022015). Collection method: clinical testing. Allele origin: germline.
Comment: This sequence change replaces threonine, which is neutral and polar, with serine, which is neutral and polar, at codon 3750 of the ALMS1 protein (p.Thr3750Ser). This variant is present in population databases (no rsID available, gnomAD 0.006%). This variant has not been reported in the literature in individuals affected with ALMS1-related conditions. Experimental studies and prediction algorithms are not available or were not evaluated, and the functional significance of this variant is currently unknown. In summary, the available evidence is currently insufficient to determine the role of this variant in disease. Therefore, it has been classified as a Variant of Uncertain Significance.